The following is an entry in ClinVar:

NM_001375524.1(TRRAP):c.8355T>A (p.Ile2785=)

Gene: TRRAP (transformation/transcription domain associated protein; plus strand). Cytogenetic location: 7q22.1.
Variant type: single nucleotide variant.
Coding change: c.8355T>A on transcript NM_001375524.1 (MANE Select); coding-DNA position 8355, T replaced by A.
Protein change: p.Ile2785=; no amino-acid change (isoleucine 2785 retained).
Molecular consequence: synonymous variant.
Genome position (GRCh38, 1-based): chr7:98,977,046, T>A. VCF-style: chr7-98977046-T-A. GRCh37 (hg19) VCF-style: chr7-98574669-T-A.
Other names: c.8334T>A, p.Ile2778= (NM_001244580.2); c.8280T>A, p.Ile2760= (NM_003496.4); c.8280T>A (NM_003496.3).
Identifiers: ClinVar variation 2068929 (VCV002068929.7), dbSNP rs55677501, ClinGen allele CA4361408.

ClinVar aggregate classification (germline): Benign/Likely benign. Review status: criteria provided, multiple submitters, no conflicts (2 of 4 stars). 3 submissions from 3 submitters: Benign (1); Likely benign (1). 1 of the submissions does not count toward it. Last evaluated 2026-01-14.

Conditions:
TRRAP-related disorder. Also called: TRRAP-related condition.

Allele frequency attached by ClinVar (database versions not stated): ExAC 0.00016; ESP Exome Variant Server 0.00046; gnomAD 0.00053; TOPMed 0.00057; 1000 Genomes Project 0.00080; 1000 Genomes Project 30x 0.00094.
gnomAD v4.1: 200 of 1,614,244 alleles (0.012%); highest among the groups gnomAD compares: African/African-American, 0.24%; 1 homozygote.

Submissions (3):

Labcorp Genetics (formerly Invitae), Labcorp
Classification: Benign. Last evaluated: 2026-01-14. Review status: criteria provided, single submitter. Criteria: Invitae Variant Classification Sherloc (09022015). Collection method: clinical testing. Allele origin: germline.

Blueprint Genetics
Classification: Likely benign. Last evaluated: 2024-10-16. Review status: criteria provided, single submitter. Criteria: ACMG Guidelines, 2015. Collection method: clinical testing. Allele origin: germline.

PreventionGenetics, part of Exact Sciences
Classification: Likely benign for TRRAP-related condition. Last evaluated: 2019-05-21. Review status: no assertion criteria provided. Collection method: clinical testing. Allele origin: germline. Not counted in ClinVar's aggregate classification.
Comment: This variant is classified as likely benign based on ACMG/AMP sequence variant interpretation guidelines (Richards et al. 2015 PMID: 25741868, with internal and published modifications).